The following is an entry in ClinVar:

NM_001024630.4(RUNX2):c.355C>A (p.Pro119Thr)

Gene: RUNX2 (RUNX family transcription factor 2; plus strand). Cytogenetic location: 6p21.1.
Variant type: single nucleotide variant.
Coding change: c.355C>A on transcript NM_001024630.4 (MANE Select); coding-DNA position 355, C replaced by A.
Protein change: p.Pro119Thr; replaces proline 119 with threonine.
Molecular consequence: missense variant.
Genome position (GRCh38, 1-based): chr6:45,422,889, C>A. VCF-style: chr6-45422889-C-A. GRCh37 (hg19) VCF-style: chr6-45390626-C-A.
Other names: c.355C>A, p.Pro119Thr (NM_001015051.4); c.313C>A, p.Pro105Thr (NM_001278478.2, NM_001369405.1); short protein forms P119T, P105T.
Identifiers: ClinVar variation 3665468 (VCV003665468.2).

ClinVar aggregate classification (germline): Uncertain significance (1 of 4 stars; one submission).

Submission:

Labcorp Genetics (formerly Invitae), Labcorp
Classification: Uncertain significance. Last evaluated: 2024-08-14. Review status: criteria provided, single submitter. Criteria: Invitae Variant Classification Sherloc (09022015). Collection method: clinical testing. Allele origin: germline.
Comment: This sequence change replaces proline, which is neutral and non-polar, with threonine, which is neutral and polar, at codon 119 of the RUNX2 protein (p.Pro119Thr). This variant is not present in population databases (gnomAD no frequency). This missense change has been observed in individual(s) with cleidocranial dysplasia (Internal data). It has also been observed to segregate with disease in related individuals. Invitae Evidence Modeling of protein sequence and biophysical properties (such as structural, functional, and spatial information, amino acid conservation, physicochemical variation, residue mobility, and thermodynamic stability) indicates that this missense variant is expected to disrupt RUNX2 protein function with a positive predictive value of 80%. In summary, the available evidence is currently insufficient to determine the role of this variant in disease. Therefore, it has been classified as a Variant of Uncertain Significance.